The following is an entry in ClinVar:

ClinVar aggregate classification (germline): Uncertain significance (1 of 4 stars; one submission).

Conditions:
Landau-Kleffner syndrome (FESD). Also called: EPILEPSY, FOCAL, WITH SPEECH DISORDER AND WITH OR WITHOUT MENTAL RETARDATION; APHASIA, ACQUIRED, WITH EPILEPSY. Identifiers: Orphanet 1945, Orphanet 725, Orphanet 98818, MedGen C0282512, MONDO:0009509, OMIM 245570.

Submission:

Labcorp Genetics (formerly Invitae), Labcorp
Classification: Uncertain significance for Landau-Kleffner syndrome. Last evaluated: 2025-07-06. Review status: criteria provided, single submitter. Criteria: Invitae Variant Classification Sherloc (09022015). Collection method: clinical testing. Allele origin: germline.
Comment: This sequence change replaces arginine, which is basic and polar, with glycine, which is neutral and non-polar, at codon 1241 of the GRIN2A protein (p.Arg1241Gly). This variant is not present in population databases (gnomAD no frequency). This variant has not been reported in the literature in individuals affected with GRIN2A-related conditions. Invitae Evidence Modeling of protein sequence and biophysical properties (such as structural, functional, and spatial information, amino acid conservation, physicochemical variation, residue mobility, and thermodynamic stability) indicates that this missense variant is not expected to disrupt GRIN2A protein function with a negative predictive value of 95%. In summary, the available evidence is currently insufficient to determine the role of this variant in disease. Therefore, it has been classified as a Variant of Uncertain Significance.

NM_001134407.3(GRIN2A):c.3721C>G (p.Arg1241Gly)

Gene: GRIN2A (glutamate ionotropic receptor NMDA type subunit 2A; minus strand). Cytogenetic location: 16p13.2.
Variant type: single nucleotide variant.
Coding change: c.3721C>G on transcript NM_001134407.3 (MANE Select); coding-DNA position 3721, C replaced by G.
Protein change: p.Arg1241Gly; replaces arginine 1241 with glycine.
Molecular consequence: missense variant.
Genome position (GRCh38, 1-based): chr16:9,763,823, G>C on the plus strand (C>G on the coding strand, the complement: GRIN2A is on the minus strand). VCF-style: chr16-9763823-G-C. GRCh37 (hg19) VCF-style: chr16-9857680-G-C.
Other names: c.3721C>G, p.Arg1241Gly (NM_000833.5, NM_001134408.2); short protein forms R1241G.
Identifiers: ClinVar variation 4802909 (VCV004802909.1).